The following is an entry in ClinVar:

NM_017534.6(MYH2):c.4774C>A (p.Leu1592Met)

Genes: MYH2 (myosin heavy chain 2; minus strand), MYHAS (myosin heavy chain gene cluster antisense RNA; plus strand), LOC126862500 (BRD4-independent group 4 enhancer GRCh37_chr17:10427829-10429028; plus strand). Cytogenetic location: 17p13.1.
Variant type: single nucleotide variant.
Coding change: c.4774C>A on transcript NM_017534.6 (MANE Select); coding-DNA position 4774, C replaced by A.
Protein change: p.Leu1592Met; replaces leucine 1592 with methionine.
Molecular consequence: missense variant.
Genome position (GRCh38, 1-based): chr17:10,524,954, G>T on the plus strand (C>A on the coding strand, the complement: MYH2 is on the minus strand). VCF-style: chr17-10524954-G-T. GRCh37 (hg19) VCF-style: chr17-10428271-G-T.
Other names: c.4774C>A, p.Leu1592Met (NM_001100112.2); short protein forms L1592M.
Identifiers: ClinVar variation 260825 (VCV000260825.34), dbSNP rs138393827, ClinGen allele CA8390562.
Genomic context (GRCh38, chr17:10,524,954, plus strand): 5'-TGATCTCAGCATCCAGCGTGCTCTGCATGGACTCCACGATTCTAATGTGGTTTCTCTTCA[G>T]CTGGTCAATTTCCTCATCTTTTTCAGCAATTTTCCTATCAACCTCAGACTTGACTTGGTT-3'
Protein context (NP_060004.3, residues 1582-1602): IAEKDEEIDQ[Leu1592Met]KRNHIRIVES

ClinVar aggregate classification (germline): Benign/Likely benign. Review status: criteria provided, multiple submitters, no conflicts (2 of 4 stars). 8 submissions from 8 submitters: Benign (2); Likely benign (3). 3 of the submissions do not count toward it. Last evaluated 2026-01-25.

Conditions:
Myopathy, proximal, and ophthalmoplegia (CMYO6). Also called: MYOPATHY WITH CONGENITAL JOINT CONTRACTURES, OPHTHALMOPLEGIA, AND RIMMED VACUOLES; CONGENITAL MYOPATHY 6 WITH OPHTHALMOPLEGIA; INCLUSION BODY MYOPATHY 3, AUTOSOMAL DOMINANT. Identifiers: Orphanet 363677, Orphanet 79091, MedGen C1854106, MONDO:0011577, OMIM 605637.

Allele frequency attached by ClinVar (database versions not stated): gnomAD 0.00107 and 0.00068; 1000 Genomes Project 0.00220; TOPMed 0.00085; 1000 Genomes Project 30x 0.00219; gnomAD exomes 0.00270 and 0.00175; ESP Exome Variant Server 0.00092; ExAC 0.00314.
gnomAD v4.1: 2,734 of 1,614,042 alleles (0.17%); highest among the groups gnomAD compares: South Asian, 1.6%; 35 homozygotes.

Submissions (8):

Labcorp Genetics (formerly Invitae), Labcorp
Classification: Benign for Myopathy, proximal, and ophthalmoplegia. Last evaluated: 2026-01-25. Review status: criteria provided, single submitter. Criteria: Invitae Variant Classification Sherloc (09022015). Collection method: clinical testing. Allele origin: germline.

GeneDx
Classification: Likely benign. Last evaluated: 2024-11-19. Review status: criteria provided, single submitter. Criteria: GeneDx Variant Classification Process June 2021. Collection method: clinical testing. Allele origin: germline. Affected: yes.
Comment: See Variant Classification Assertion Criteria.

Eurofins Ntd Llc (ga)
Classification: Likely benign. Last evaluated: 2018-08-16. Review status: criteria provided, single submitter. Criteria: EGL ClinVar v180209 classification definitions. Collection method: clinical testing. Allele origin: germline. Observed: 1 variant allele, 1 heterozygote.

Illumina Laboratory Services, Illumina
Classification: Benign for Myopathy, proximal, and ophthalmoplegia. Last evaluated: 2018-01-13. Review status: criteria provided, single submitter. Criteria: ICSL Variant Classification Criteria 13 December 2019. Collection method: clinical testing. Allele origin: germline.
Comment: This variant was observed in the ICSL laboratory as part of a predisposition screen in an ostensibly healthy population. It had not been previously curated by ICSL or reported in the Human Gene Mutation Database (HGMD: prior to June 1st, 2018), and was therefore a candidate for classification through an automated scoring system. Utilizing variant allele frequency, disease prevalence and penetrance estimates, and inheritance mode, an automated score was calculated to assess if this variant is too frequent to cause the disease. Based on the score and internal cut-off values, a variant classified as benign is not then subjected to further curation. The score for this variant resulted in a classification of benign for this disease.

PreventionGenetics, part of Exact Sciences
Classification: Likely benign. Review status: criteria provided, single submitter. Criteria: ACMG Guidelines, 2015. Collection method: clinical testing. Allele origin: germline.

Genome Diagnostics Laboratory, University Medical Center Utrecht
Classification: Benign. Review status: no assertion criteria provided. Collection method: clinical testing. Allele origin: germline. Affected: yes. Study: VKGL Data-share Consensus. Not counted in ClinVar's aggregate classification.

Laboratory of Diagnostic Genome Analysis, Leiden University Medical Center (LUMC)
Classification: Likely benign. Review status: no assertion criteria provided. Collection method: clinical testing. Allele origin: germline. Affected: yes. Study: VKGL Data-share Consensus. Not counted in ClinVar's aggregate classification.

NeuroMeGen, Hospital Clinico Santiago de Compostela
Classification: Likely pathogenic for Myopathy, proximal, and ophthalmoplegia. Last evaluated: 2018-10-08. Review status: flagged submission. Criteria: ACMG Guidelines, 2015. Collection method: clinical testing. Allele origin: paternal. Affected: yes. Observed: 1 compound heterozygote. Not counted in ClinVar's aggregate classification.
ClinVar note: Reason: Outlier claim with insufficient supporting evidence